The following is an entry in ClinVar:

NM_015450.3(POT1):c.1021C>G (p.Gln341Glu)

Gene: POT1 (protection of telomeres 1; minus strand). Cytogenetic location: 7q31.33.
Variant type: single nucleotide variant.
Coding change: c.1021C>G on transcript NM_015450.3 (MANE Select); coding-DNA position 1021, C replaced by G.
Protein change: p.Gln341Glu; replaces glutamine 341 with glutamic acid.
Molecular consequence: missense variant. On other transcripts: non-coding transcript variant (3).
Genome position (GRCh38, 1-based): chr7:124,842,949, G>C on the plus strand (C>G on the coding strand, the complement: POT1 is on the minus strand). VCF-style: chr7-124842949-G-C. GRCh37 (hg19) VCF-style: chr7-124483003-G-C.
Other names: c.628C>G, p.Gln210Glu (NM_001042594.2); short protein forms Q341E, Q210E.
Identifiers: ClinVar variation 583186 (VCV000583186.15), dbSNP rs767757297, ClinGen allele CA4465246.

ClinVar aggregate classification (germline): Uncertain significance. Review status: criteria provided, multiple submitters, no conflicts (2 of 4 stars). 2 submissions from 2 submitters: Uncertain significance (2). Last evaluated 2026-01-07.

Conditions:
Tumor predisposition syndrome 3 (TPDS3). Also called: Melanoma, cutaneous malignant, susceptibility to, 10; LONG TELOMERE SYNDROME, POT1-RELATED; POT1 Tumor Predisposition; Glioma susceptibility 9. Identifiers: Orphanet 618, MedGen C4014476, MONDO:0014368, OMIM 615848.
Hereditary cancer-predisposing syndrome. Also called: Tumor predisposition; Neoplastic Syndromes, Hereditary; Hereditary neoplastic syndrome; Hereditary Cancer Syndrome. Identifiers: Orphanet 140162, MedGen C0027672, MeSH D009386, MONDO:0015356.

Allele frequency attached by ClinVar (database versions not stated): gnomAD 0.00001; TOPMed 0.00002.
gnomAD v4.1: 18 of 1,581,526 alleles (0.0011%); highest among the groups gnomAD compares: Non-Finnish European, 0.0015%; no homozygotes.

Submissions (2):

Labcorp Genetics (formerly Invitae), Labcorp
Classification: Uncertain significance for Tumor predisposition syndrome 3. Last evaluated: 2026-01-07. Review status: criteria provided, single submitter. Criteria: Invitae Variant Classification Sherloc (09022015). Collection method: clinical testing. Allele origin: germline.
Comment: This sequence change replaces glutamine, which is neutral and polar, with glutamic acid, which is acidic and polar, at codon 341 of the POT1 protein (p.Gln341Glu). This variant is present in population databases (rs767757297, gnomAD 0.007%). This variant has not been reported in the literature in individuals affected with POT1-related conditions. ClinVar contains an entry for this variant (Variation ID: 583186). Invitae Evidence Modeling of protein sequence and biophysical properties (such as structural, functional, and spatial information, amino acid conservation, physicochemical variation, residue mobility, and thermodynamic stability) indicates that this missense variant is not expected to disrupt POT1 protein function with a negative predictive value of 80%. In summary, the available evidence is currently insufficient to determine the role of this variant in disease. Therefore, it has been classified as a Variant of Uncertain Significance.

Ambry Genetics
Classification: Uncertain significance for Hereditary cancer-predisposing syndrome. Last evaluated: 2025-07-09. Review status: criteria provided, single submitter. Criteria: Ambry Variant Classification Scheme 2023. Collection method: clinical testing. Allele origin: germline.
Comment: The p.Q341E variant (also known as c.1021C>G), located in coding exon 9 of the POT1 gene, results from a C to G substitution at nucleotide position 1021. The glutamine at codon 341 is replaced by glutamic acid, an amino acid with highly similar properties. This amino acid position is highly conserved in available vertebrate species. In addition, this alteration is predicted to be tolerated by in silico analysis. Since supporting evidence is limited at this time, the clinical significance of this alteration remains unclear.